The following is an entry in ClinVar:

NM_138694.4(PKHD1):c.4733del (p.Tyr1578fs)

Genes: PKHD1 (PKHD1 ciliary IPT domain containing fibrocystin/polyductin; minus strand), LOC126859690 (MED14-independent group 3 enhancer GRCh37_chr6:51888848-51890047; plus strand). Cytogenetic location: 6p12.2.
Variant type: Deletion.
Coding change: c.4733del on transcript NM_138694.4 (MANE Select); coding-DNA position 4733, one base deleted (A; older notation c.4733delA).
Protein change: p.Tyr1578fs; shifts the reading frame from tyrosine 1578.
Molecular consequence: frameshift variant.
Genome position (GRCh38, 1-based): chr6:52,025,077, T deleted on the plus strand (A on the coding strand, the reverse complement: PKHD1 is on the minus strand). VCF-style (leftmost placement, unchanged base first): chr6-52025076-AT-A. GRCh37 (hg19) VCF-style: chr6-51889874-AT-A.
Other names: c.4733del, p.Tyr1578fs (NM_170724.3); c.4733delA (NM_138694.3); short protein forms Y1578fs.
Identifiers: ClinVar variation 167487 (VCV000167487.12), dbSNP rs727504087, ClinGen allele CA234573.

ClinVar aggregate classification (germline): Pathogenic. Review status: criteria provided, multiple submitters, no conflicts (2 of 4 stars). 4 submissions from 4 submitters: Pathogenic (3). 1 of the submissions does not count toward it. Last evaluated 2023-12-21.

Conditions:
Polycystic kidney disease 4 (PKD4). Also called: Autosomal Recessive Polycystic Kidney Disease – PKHD1; POLYCYSTIC KIDNEY DISEASE 4 WITH OR WITHOUT POLYCYSTIC LIVER DISEASE; PKD3; POLYCYSTIC KIDNEY AND HEPATIC DISEASE 1; POLYCYSTIC KIDNEY DISEASE, INFANTILE, TYPE I. Identifiers: MedGen C4540575, MONDO:0033004, OMIM 263200.
Autosomal recessive polycystic kidney disease (ARPKD). Also called: AR polycystic kidney disease. Identifiers: Orphanet 731, Orphanet 8378, MedGen C0085548, MeSH D017044, MONDO:0009889.

Allele frequency attached by ClinVar (database versions not stated): gnomAD exomes below 0.00001.

Submissions (4):

Labcorp Genetics (formerly Invitae), Labcorp
Classification: Pathogenic for Autosomal recessive polycystic kidney disease. Last evaluated: 2023-12-21. Review status: criteria provided, single submitter. Criteria: Invitae Variant Classification Sherloc (09022015). Collection method: clinical testing. Allele origin: germline.
Comment: This sequence change creates a premature translational stop signal (p.Tyr1578Phefs*14) in the PKHD1 gene. It is expected to result in an absent or disrupted protein product. Loss-of-function variants in PKHD1 are known to be pathogenic (PMID: 19940839). This variant is present in population databases (rs727504087, gnomAD 0.003%). This variant has not been reported in the literature in individuals affected with PKHD1-related conditions. ClinVar contains an entry for this variant (Variation ID: 167487). For these reasons, this variant has been classified as Pathogenic.

Revvity Omics, Revvity
Classification: Pathogenic for Polycystic kidney disease 4. Last evaluated: 2023-04-07. Review status: criteria provided, single submitter. Criteria: ACMG Guidelines, 2015. Collection method: clinical testing. Allele origin: germline.

Eurofins Ntd Llc (ga)
Classification: Pathogenic. Last evaluated: 2013-11-22. Review status: criteria provided, single submitter. Criteria: EGL Classification Definitions. Collection method: clinical testing. Allele origin: germline. Observed: 1 variant allele, 1 heterozygote.

Counsyl
Classification: Likely pathogenic for Polycystic kidney disease 4. Last evaluated: 2017-11-26. Review status: no assertion criteria provided. Collection method: clinical testing. Allele origin: unknown. Not counted in ClinVar's aggregate classification.

Literature cited by the submitters: PubMed 19940839 (cited by Labcorp Genetics (formerly Invitae), Labcorp).